The following is an entry in ClinVar:

ClinVar aggregate classification (germline): Uncertain significance (1 of 4 stars; one submission).

Allele frequency attached by ClinVar (database versions not stated): gnomAD exomes 0.00002; ExAC 0.00004.
gnomAD v4.1: 9 of 1,613,048 alleles (0.00056%); highest among the groups gnomAD compares: South Asian, 0.0099%; no homozygotes.

Submission:

Athena Diagnostics
Classification: Uncertain significance. Last evaluated: 2023-01-19. Review status: criteria provided, single submitter. Criteria: Athena Diagnostics Criteria. Collection method: clinical testing. Allele origin: unknown.
Comment: Available data are insufficient to determine the clinical significance of the variant at this time. The frequency of this variant in the general population is uninformative in assessment of its pathogenicity. Computational tools disagree on the variant's effect on normal protein function.

NM_194248.3(OTOF):c.3080A>G (p.Asp1027Gly)

Gene: OTOF (otoferlin; minus strand). Cytogenetic location: 2p23.3.
Variant type: single nucleotide variant.
Coding change: c.3080A>G on transcript NM_194248.3 (MANE Select); coding-DNA position 3080, A replaced by G.
Protein change: p.Asp1027Gly; replaces aspartic acid 1027 with glycine.
Molecular consequence: missense variant.
Genome position (GRCh38, 1-based): chr2:26,475,405, T>C on the plus strand (A>G on the coding strand, the complement: OTOF is on the minus strand). VCF-style: chr2-26475405-T-C. GRCh37 (hg19) VCF-style: chr2-26698273-T-C.
Other names: c.3080A>G, p.Asp1027Gly (NM_001287489.2); c.839A>G, p.Asp280Gly (NM_004802.4, NM_194323.3); c.1010A>G, p.Asp337Gly (NM_194322.3); short protein forms D1027G, D280G, D337G.
Identifiers: ClinVar variation 1807223 (VCV001807223.2), dbSNP rs774506833, ClinGen allele CA1563667.